The following is an entry in ClinVar:

ClinVar aggregate classification (germline): Uncertain significance (1 of 4 stars; one submission).

Conditions:
Hereditary pancreatitis (PCTT). Also called: Hereditary chronic pancreatitis; PRSS1-Related Hereditary Pancreatitis. Identifiers: Orphanet 676, MedGen C0238339, MONDO:0008185, OMIM 167800.

Submission:

Ambry Genetics
Classification: Uncertain significance for Hereditary pancreatitis. Last evaluated: 2026-04-28. Review status: criteria provided, single submitter. Criteria: Ambry Variant Classification Scheme 2023. Collection method: clinical testing. Allele origin: germline.
Comment: The p.T403K variant (also known as c.1208C>A), located in coding exon 10 of the CPA1 gene, results from a C to A substitution at nucleotide position 1208. The threonine at codon 403 is replaced by lysine, an amino acid with similar properties. This amino acid position is conserved. In addition, this alteration is predicted to be deleterious by in silico analysis. Based on the available evidence, the clinical significance of this variant remains unclear.

NM_001868.4(CPA1):c.1208C>A (p.Thr403Lys)

Gene: CPA1 (carboxypeptidase A1; plus strand). Cytogenetic location: 7q32.2.
Variant type: single nucleotide variant.
Coding change: c.1208C>A on transcript NM_001868.4 (MANE Select); coding-DNA position 1208, C replaced by A.
Protein change: p.Thr403Lys; replaces threonine 403 with lysine.
Molecular consequence: missense variant.
Genome position (GRCh38, 1-based): chr7:130,387,959, C>A. VCF-style: chr7-130387959-C-A. GRCh37 (hg19) VCF-style: chr7-130027800-C-A.
Other names: short protein forms T403K.
Identifiers: ClinVar variation 4869367 (VCV004869367.1).